The following is an entry in ClinVar:

NM_002637.4(PHKA1):c.3496C>G (p.Gln1166Glu)

Gene: PHKA1 (phosphorylase kinase regulatory subunit alpha 1; minus strand). Cytogenetic location: Xq13.1.
Variant type: single nucleotide variant.
Coding change: c.3496C>G on transcript NM_002637.4 (MANE Select); coding-DNA position 3496, C replaced by G.
Protein change: p.Gln1166Glu; replaces glutamine 1166 with glutamic acid.
Molecular consequence: missense variant.
Genome position (GRCh38, 1-based): chrX:72,582,400, G>C on the plus strand (C>G on the coding strand, the complement: PHKA1 is on the minus strand). VCF-style: chrX-72582400-G-C. GRCh37 (hg19) VCF-style: chrX-71802250-G-C.
Other names: c.3457C>G, p.Gln1153Glu (NM_001122670.2); c.3280C>G, p.Gln1094Glu (NM_001172436.2); c.3547C>G, p.Gln1183Glu (NM_001431068.1); short protein forms Q1094E, Q1166E, Q1183E, Q1153E.
Identifiers: ClinVar variation 3690385 (VCV003690385.2).

ClinVar aggregate classification (germline): Uncertain significance (1 of 4 stars; one submission).

Conditions:
Glycogen storage disease IXd (GSD9D). Also called: GSD IXd; Muscle Phosphorylase Kinase Deficiency. Identifiers: Orphanet 715, MedGen C1845151, MONDO:0010362, OMIM 300559.

gnomAD v4.1: 2 of 1,180,250 alleles (0.00017%); highest among the groups gnomAD compares: Non-Finnish European, 0.00023%; no homozygotes.

Submission:

Labcorp Genetics (formerly Invitae), Labcorp
Classification: Uncertain significance for Glycogen storage disease IXd. Last evaluated: 2024-04-01. Review status: criteria provided, single submitter. Criteria: Invitae Variant Classification Sherloc (09022015). Collection method: clinical testing. Allele origin: germline.
Comment: This sequence change replaces glutamine, which is neutral and polar, with glutamic acid, which is acidic and polar, at codon 1166 of the PHKA1 protein (p.Gln1166Glu). This variant is present in population databases (rs782012014, gnomAD 0.002%). This variant has not been reported in the literature in individuals affected with PHKA1-related conditions. An algorithm developed to predict the effect of missense changes on protein structure and function (PolyPhen-2) suggests that this variant is likely to be tolerated. In summary, the available evidence is currently insufficient to determine the role of this variant in disease. Therefore, it has been classified as a Variant of Uncertain Significance.